The following is an entry in ClinVar:

ClinVar aggregate classification (germline): Uncertain significance. Review status: criteria provided, multiple submitters, no conflicts (2 of 4 stars). 2 submissions from 2 submitters: Uncertain significance (2). Last evaluated 2024-10-15.

Allele frequency attached by ClinVar (database versions not stated): gnomAD exomes 0.00001; TOPMed 0.00001; gnomAD 0.00002.
gnomAD v4.1: 11 of 1,614,132 alleles (0.00068%); highest among the groups gnomAD compares: African/African-American, 0.0027%; no homozygotes.

Submissions (2):

Blueprint Genetics
Classification: Uncertain significance. Last evaluated: 2024-10-15. Review status: criteria provided, single submitter. Criteria: ACMG Guidelines, 2015. Collection method: clinical testing. Allele origin: germline.

Labcorp Genetics (formerly Invitae), Labcorp
Classification: Uncertain significance. Last evaluated: 2022-07-19. Review status: criteria provided, single submitter. Criteria: Invitae Variant Classification Sherloc (09022015). Collection method: clinical testing. Allele origin: germline.
Comment: In summary, the available evidence is currently insufficient to determine the role of this variant in disease. Therefore, it has been classified as a Variant of Uncertain Significance. Variants that disrupt the consensus splice site are a relatively common cause of aberrant splicing (PMID: 17576681, 9536098). Algorithms developed to predict the effect of sequence changes on RNA splicing suggest that this variant may create or strengthen a splice site. This variant has not been reported in the literature in individuals affected with COL2A1-related conditions. The frequency data for this variant in the population databases is considered unreliable, as metrics indicate poor data quality at this position in the gnomAD database. This sequence change affects codon 1439 of the COL2A1 mRNA. It is a 'silent' change, meaning that it does not change the encoded amino acid sequence of the COL2A1 protein. This variant also falls at the last nucleotide of exon 53, which is part of the consensus splice site for this exon.

Literature cited by the submitters: PubMed 17576681 (cited by Labcorp Genetics (formerly Invitae), Labcorp); PubMed 9536098 (cited by Labcorp Genetics (formerly Invitae), Labcorp).

NM_001844.5(COL2A1):c.4317G>A (p.Thr1439=)

Gene: COL2A1 (collagen type II alpha 1 chain; minus strand). Cytogenetic location: 12q13.11.
Variant type: single nucleotide variant.
Coding change: c.4317G>A on transcript NM_001844.5 (MANE Select); coding-DNA position 4317, G replaced by A.
Protein change: p.Thr1439=; no amino-acid change (threonine 1439 retained).
Molecular consequence: synonymous variant.
Genome position (GRCh38, 1-based): chr12:47,974,089, C>T on the plus strand (G>A on the coding strand, the complement: COL2A1 is on the minus strand). VCF-style: chr12-47974089-C-T. GRCh37 (hg19) VCF-style: chr12-48367872-C-T.
Other names: c.4110G>A, p.Thr1370= (NM_033150.3).
Identifiers: ClinVar variation 1917436 (VCV001917436.6), dbSNP rs996256377, ClinGen allele CA236515935.
Genomic context (GRCh38, chr12:47,974,089, plus strand): 5'-TCAGCCCTGCTCCAGGCGGTTTGGGCACAGGCAGCTCTTCTCTCTGGCAGCCCCACTCAC[C>T]GTGCAGCCATCCTTCAGGGCAGTGTACGTGAACCTGCTATTGCCCTCTGCCCGGATCTCC-3'
Protein context (NP_001835.3, residues 1429-1449): FTYTALKDGC[Thr1439=]KHTGKWGKTV